The following is an entry in ClinVar:

ClinVar aggregate classification (germline): Uncertain significance (1 of 4 stars; one submission).

gnomAD v4.1: 1 of 1,614,036 alleles (0.000062%); highest among the groups gnomAD compares: South Asian, 0.0011%; no homozygotes.

Submission:

Labcorp Genetics (formerly Invitae), Labcorp
Classification: Uncertain significance. Last evaluated: 2025-08-25. Review status: criteria provided, single submitter. Criteria: Invitae Variant Classification Sherloc (09022015). Collection method: clinical testing. Allele origin: germline.
Comment: This sequence change replaces isoleucine, which is neutral and non-polar, with valine, which is neutral and non-polar, at codon 546 of the ARHGEF18 protein (p.Ile546Val). This variant is not present in population databases (gnomAD no frequency). This variant has not been reported in the literature in individuals affected with ARHGEF18-related conditions. An algorithm developed to predict the effect of missense changes on protein structure and function outputs the following: PolyPhen-2: "Benign". The valine amino acid residue is found in multiple mammalian species, which suggests that this missense change does not adversely affect protein function. In summary, the available evidence is currently insufficient to determine the role of this variant in disease. Therefore, it has been classified as a Variant of Uncertain Significance.

NM_001367823.1(ARHGEF18):c.2200A>G (p.Ile734Val)

Gene: ARHGEF18 (Rho/Rac guanine nucleotide exchange factor 18; plus strand). Cytogenetic location: 19p13.2.
Variant type: single nucleotide variant.
Coding change: c.2200A>G on transcript NM_001367823.1 (MANE Select); coding-DNA position 2200, A replaced by G.
Protein change: p.Ile734Val; replaces isoleucine 734 with valine.
Molecular consequence: missense variant.
Genome position (GRCh38, 1-based): chr19:7,458,530, A>G. VCF-style: chr19-7458530-A-G. GRCh37 (hg19) VCF-style: chr19-7523416-A-G.
Other names: c.1474A>G, p.Ile492Val (NM_001130955.2); c.1162A>G, p.Ile388Val (NM_001367824.1, NM_015318.4); short protein forms I734V, I388V, I492V.
Identifiers: ClinVar variation 4726027 (VCV004726027.1).
Genomic context (GRCh38, chr19:7,458,530, plus strand): 5'-TGGGGTAAAGGGTGACCTCCCCAATGCCCTCTACTCATGCAGGACTCAAAGCCACCCGTC[A>G]TCTCGTTACAAAAGCTCATCGTGAGGGAAGTGGCCAACGAGGAGAAAGCGATGTTTCTGA-3'
Protein context (NP_001354752.1, residues 724-744): FASVDSKPPV[Ile734Val]SLQKLIVREV